The following is an entry in ClinVar:

ClinVar aggregate classification (germline): Uncertain significance (1 of 4 stars; one submission).

Conditions:
Inborn genetic diseases. Identifiers: MedGen C0950123, MeSH D030342.

Submission:

Ambry Genetics
Classification: Uncertain significance for Inborn genetic diseases. Last evaluated: 2025-10-29. Review status: criteria provided, single submitter. Criteria: Ambry Variant Classification Scheme 2023. Collection method: clinical testing. Allele origin: germline.
Comment: The p.H150R variant (also known as c.449A>G), located in coding exon 4 of the CDH2 gene, results from an A to G substitution at nucleotide position 449. The histidine at codon 150 is replaced by arginine, an amino acid with highly similar properties. This amino acid position is conserved. In addition, this alteration is predicted to be tolerated by in silico analysis. Based on the available evidence, the clinical significance of this variant remains unclear.

NM_001792.5(CDH2):c.449A>G (p.His150Arg)

Gene: CDH2 (cadherin 2; minus strand). Cytogenetic location: 18q12.1.
Variant type: single nucleotide variant.
Coding change: c.449A>G on transcript NM_001792.5 (MANE Select); coding-DNA position 449, A replaced by G.
Protein change: p.His150Arg; replaces histidine 150 with arginine.
Molecular consequence: missense variant.
Genome position (GRCh38, 1-based): chr18:28,011,943, T>C on the plus strand (A>G on the coding strand, the complement: CDH2 is on the minus strand). VCF-style: chr18-28011943-T-C. GRCh37 (hg19) VCF-style: chr18-25591907-T-C.
Other names: c.356A>G, p.His119Arg (NM_001308176.2); short protein forms H150R, H119R.
Identifiers: ClinVar variation 4608873 (VCV004608873.1).